The following is an entry in ClinVar:

NM_005918.4(MDH2):c.827C>G (p.Ser276Cys)

Gene: MDH2 (malate dehydrogenase 2; plus strand). Cytogenetic location: 7q11.23.
Variant type: single nucleotide variant.
Coding change: c.827C>G on transcript NM_005918.4 (MANE Select); coding-DNA position 827, C replaced by G.
Protein change: p.Ser276Cys; replaces serine 276 with cysteine.
Molecular consequence: missense variant.
Genome position (GRCh38, 1-based): chr7:76,064,895, C>G. VCF-style: chr7-76064895-C-G. GRCh37 (hg19) VCF-style: chr7-75694213-C-G.
Other names: c.701C>G, p.Ser234Cys (NM_001282403.2); c.506C>G, p.Ser169Cys (NM_001282404.2); short protein forms S169C, S234C, S276C.
Identifiers: ClinVar variation 3394066 (VCV003394066.1).
Genomic context (GRCh38, chr7:76,064,895, plus strand): 5'-CCCGCTTTGTCTTCTCCCTTGTGGATGCAATGAATGGAAAGGAAGGTGTTGTGGAATGTT[C>G]CTTCGTTAAGTCACAGGAAACGGAATGTACCTACTTCTCCACACCGCTGCTGCTTGGGGT-3'
Protein context (NP_005909.2, residues 266-286): MNGKEGVVEC[Ser276Cys]FVKSQETECT

ClinVar aggregate classification (germline): Uncertain significance (1 of 4 stars; one submission).

Conditions:
Inborn genetic diseases. Identifiers: MedGen C0950123, MeSH D030342.

Submission:

Ambry Genetics
Classification: Uncertain significance for Inborn genetic diseases. Last evaluated: 2024-08-06. Review status: criteria provided, single submitter. Criteria: Ambry Variant Classification Scheme 2023. Collection method: clinical testing. Allele origin: germline.
Comment: The p.S276C variant (also known as c.827C>G), located in coding exon 8 of the MDH2 gene, results from a C to G substitution at nucleotide position 827. The serine at codon 276 is replaced by cysteine, an amino acid with dissimilar properties. This amino acid position is conserved. In addition, the in silico prediction for this alteration is inconclusive. Based on the available evidence, the clinical significance of this variant remains unclear.